The following is an entry in ClinVar:

ClinVar aggregate classification (germline): Conflicting classifications of pathogenicity. Review status: criteria provided, conflicting classifications (1 of 4 stars). 3 submissions from 3 submitters: Uncertain significance (2); Benign (1). Last evaluated 2025-08-10.

Conditions:
Isolated focal cortical dysplasia type II (FCORD2). Also called: CORTICAL DYSPLASIA OF TAYLOR; Focal cortical dysplasia type II. Identifiers: Orphanet 268994, MedGen C1846385, MONDO:0011818, OMIM 607341, HP:0032051.
Tuberous sclerosis 2 (TSC2). Identifiers: Orphanet 805, MedGen C1860707, MONDO:0013199, OMIM 613254.
Hereditary cancer-predisposing syndrome. Also called: Neoplastic Syndromes, Hereditary; Hereditary Cancer Syndrome; Hereditary neoplastic syndrome; Tumor predisposition. Identifiers: Orphanet 140162, MedGen C0027672, MeSH D009386, MONDO:0015356.

Allele frequency attached by ClinVar (database versions not stated): ExAC 0.00001; gnomAD 0.00001; gnomAD exomes 0.00001 and 0.00002; TOPMed 0.00001.
gnomAD v4.1: 25 of 1,612,724 alleles (0.0016%); highest among the groups gnomAD compares: Non-Finnish European, 0.0021%; no homozygotes.

Submissions (3):

Labcorp Genetics (formerly Invitae), Labcorp
Classification: Benign for Tuberous sclerosis 2. Last evaluated: 2025-08-10. Review status: criteria provided, single submitter. Criteria: Invitae Variant Classification Sherloc (09022015). Collection method: clinical testing. Allele origin: germline.

Ambry Genetics
Classification: Uncertain significance for Hereditary cancer-predisposing syndrome. Last evaluated: 2024-11-18. Review status: criteria provided, single submitter. Criteria: Ambry Variant Classification Scheme 2023. Collection method: clinical testing. Allele origin: germline.
Comment: The p.V986M variant (also known as c.2956G>A), located in coding exon 25 of the TSC2 gene, results from a G to A substitution at nucleotide position 2956. The valine at codon 986 is replaced by methionine, an amino acid with highly similar properties. This amino acid position is not well conserved in available vertebrate species. In addition, the in silico prediction for this alteration is inconclusive. Based on the available evidence, the clinical significance of this variant remains unclear.

Baylor Genetics
Classification: Uncertain significance for Isolated focal cortical dysplasia type II. Last evaluated: 2023-06-06. Review status: criteria provided, single submitter. Criteria: ACMG Guidelines, 2015. Collection method: clinical testing. Allele origin: unknown.

NM_000548.5(TSC2):c.2956G>A (p.Val986Met)

Gene: TSC2 (TSC complex subunit 2; plus strand). Cytogenetic location: 16p13.3.
Variant type: single nucleotide variant.
Coding change: c.2956G>A on transcript NM_000548.5 (MANE Select); coding-DNA position 2956, G replaced by A.
Protein change: p.Val986Met; replaces valine 986 with methionine.
Molecular consequence: missense variant. On other transcripts: intron variant (9).
Genome position (GRCh38, 1-based): chr16:2,077,716, G>A. VCF-style: chr16-2077716-G-A. GRCh37 (hg19) VCF-style: chr16-2127717-G-A.
Other names: c.2956G>A, p.Val986Met (NM_001114382.3); c.2837+1131G>A (NM_021055.3, NM_001370405.1, NM_001363528.2 and 2 more transcripts); c.2726+1131G>A (NM_001318827.2); c.2237+1131G>A (NM_001318831.2); c.2690+1131G>A (NM_001318829.2); c.2870+1131G>A (NM_001318832.2); short protein forms V986M.
Identifiers: ClinVar variation 643957 (VCV000643957.12), dbSNP rs765489754, ClinGen allele CA043009.